The following is an entry in ClinVar:

ClinVar aggregate classification (germline): Conflicting classifications of pathogenicity. Review status: criteria provided, conflicting classifications (1 of 4 stars). 2 submissions from 2 submitters: Uncertain significance (1); Likely benign (1). Last evaluated 2026-05-12.

Conditions:
Seizures, benign familial infantile, 3 (BFIS3). Also called: Familial neonatal seizures; CONVULSIONS, BENIGN FAMILIAL INFANTILE, 3. Identifiers: Orphanet 140927, Orphanet 306, MedGen C1843140, MONDO:0011904, OMIM 607745.
Developmental and epileptic encephalopathy, 11 (DEE11). Also called: Early infantile epileptic encephalopathy 11. Identifiers: Orphanet 1934, MedGen C3150987, MONDO:0013388, OMIM 613721.

Allele frequency attached by ClinVar (database versions not stated): ExAC 0.00002; gnomAD exomes 0.00002 and 0.00012; gnomAD 0.00003; TOPMed 0.00003.
gnomAD v4.1: 180 of 1,614,024 alleles (0.011%); highest among the groups gnomAD compares: Non-Finnish European, 0.015%; no homozygotes.

Submissions (2):

GeneDx
Classification: Likely benign. Last evaluated: 2026-05-12. Review status: criteria provided, single submitter. Criteria: GeneDx Variant Classification Process June 2021. Collection method: clinical testing. Allele origin: germline.
Comment: See Variant Classification Assertion Criteria.

Labcorp Genetics (formerly Invitae), Labcorp
Classification: Uncertain significance for Seizures, benign familial infantile, 3; Developmental and epileptic encephalopathy, 11. Last evaluated: 2025-12-16. Review status: criteria provided, single submitter. Criteria: Invitae Variant Classification Sherloc (09022015). Collection method: clinical testing. Allele origin: germline.
Comment: This sequence change replaces asparagine, which is neutral and polar, with histidine, which is basic and polar, at codon 1066 of the SCN2A protein (p.Asn1066His). This variant is present in population databases (rs748876017, gnomAD 0.004%). This variant has not been reported in the literature in individuals affected with SCN2A-related conditions. ClinVar contains an entry for this variant (Variation ID: 1024287). Invitae Evidence Modeling of protein sequence and biophysical properties (such as structural, functional, and spatial information, amino acid conservation, physicochemical variation, residue mobility, and thermodynamic stability) indicates that this missense variant is not expected to disrupt SCN2A protein function with a negative predictive value of 95%. In summary, the available evidence is currently insufficient to determine the role of this variant in disease. Therefore, it has been classified as a Variant of Uncertain Significance.

NM_001040142.2(SCN2A):c.3196A>C (p.Asn1066His)

Gene: SCN2A (sodium voltage-gated channel alpha subunit 2; plus strand). Cytogenetic location: 2q24.3.
Variant type: single nucleotide variant.
Coding change: c.3196A>C on transcript NM_001040142.2 (MANE Select); coding-DNA position 3196, A replaced by C.
Protein change: p.Asn1066His; replaces asparagine 1066 with histidine.
Molecular consequence: missense variant.
Genome position (GRCh38, 1-based): chr2:165,354,468, A>C. VCF-style: chr2-165354468-A-C. GRCh37 (hg19) VCF-style: chr2-166210978-A-C.
Other names: c.3196A>C (NM_021007.2); c.3196A>C, p.Asn1066His (NM_001040143.2, NM_001371246.1, NM_001371247.1 and 1 more transcripts); short protein forms N1066H.
Identifiers: ClinVar variation 1024287 (VCV001024287.10), dbSNP rs748876017, ClinGen allele CA1940072.